The following is an entry in ClinVar:

NM_001244008.2(KIF1A):c.4984C>T (p.Arg1662Cys)

Gene: KIF1A (kinesin family member 1A; minus strand). Cytogenetic location: 2q37.3.
Variant type: single nucleotide variant.
Coding change: c.4984C>T on transcript NM_001244008.2 (MANE Select); coding-DNA position 4984, C replaced by T.
Protein change: p.Arg1662Cys; replaces arginine 1662 with cysteine.
Molecular consequence: missense variant.
Genome position (GRCh38, 1-based): chr2:240,719,811, G>A on the plus strand (C>T on the coding strand, the complement: KIF1A is on the minus strand). VCF-style: chr2-240719811-G-A. GRCh37 (hg19) VCF-style: chr2-241659228-G-A.
Other names: c.4708C>T, p.Arg1570Cys (NM_001320705.2, NM_001379649.1); c.4735C>T, p.Arg1579Cys (NM_001330289.2); c.4783C>T, p.Arg1595Cys (NM_001330290.2, NM_001379648.1); c.5059C>T, p.Arg1687Cys (NM_001379631.1); c.4960C>T, p.Arg1654Cys (NM_001379632.1); c.4957C>T, p.Arg1653Cys (NM_001379633.1, NM_001379645.1); c.4810C>T, p.Arg1604Cys (NM_001379634.1); c.4807C>T, p.Arg1603Cys (NM_001379635.1, NM_001379646.1); and 7 more; short protein forms R1570C, R1653C, R1687C, R1595C, R1654C, R1662C, R1560C, R1561C.
Identifiers: ClinVar variation 1396551 (VCV001396551.10), dbSNP rs372226807, ClinGen allele CA2207235.

ClinVar aggregate classification (germline): Conflicting classifications of pathogenicity. Review status: criteria provided, conflicting classifications (1 of 4 stars). 2 submissions from 2 submitters: Uncertain significance (1); Benign (1). Last evaluated 2025-07-15.

Conditions:
Inborn genetic diseases. Identifiers: MedGen C0950123, MeSH D030342.
Hereditary spastic paraplegia 30. Identifiers: Orphanet 101010, MedGen C5235139, MONDO:0012476.
Neuropathy, hereditary sensory, type 2C. Also called: Hereditary sensory and autonomic neuropathy type IIC; KIF1A-Related HSAN2 (HSAN2C). Identifiers: Orphanet 970, MedGen C3280168, MONDO:0013634, OMIM 614213.
Intellectual disability, autosomal dominant 9 (NESCAVS). Also called: NESCAV SYNDROME; KIF1A-Related Neurodevelopmental Disorder. Identifiers: Orphanet 662367, MedGen C5393830, MONDO:0013656, OMIM 614255.

Allele frequency attached by ClinVar (database versions not stated): gnomAD exomes 0.00001 and 0.00002; ExAC 0.00003; gnomAD 0.00003; TOPMed 0.00008; ESP Exome Variant Server 0.00016.

Submissions (2):

Labcorp Genetics (formerly Invitae), Labcorp
Classification: Benign for Hereditary spastic paraplegia 30; Neuropathy, hereditary sensory, type 2C; Intellectual disability, autosomal dominant 9. Last evaluated: 2025-07-15. Review status: criteria provided, single submitter. Criteria: Invitae Variant Classification Sherloc (09022015). Collection method: clinical testing. Allele origin: germline.

Ambry Genetics
Classification: Uncertain significance for Inborn genetic diseases. Last evaluated: 2021-06-21. Review status: criteria provided, single submitter. Criteria: Ambry Variant Classification Scheme 2023. Collection method: clinical testing. Allele origin: germline.
Comment: The p.R1662C variant (also known as c.4984C>T), located in coding exon 45 of the KIF1A gene, results from a C to T substitution at nucleotide position 4984. The arginine at codon 1662 is replaced by cysteine, an amino acid with highly dissimilar properties. This amino acid position is well conserved in available vertebrate species. In addition, this alteration is predicted to be tolerated by in silico analysis. Since supporting evidence is limited at this time, the clinical significance of this alteration remains unclear.